The following is an entry in ClinVar:

ClinVar aggregate classification (germline): Uncertain significance (1 of 4 stars; one submission).

Submission:

GeneDx
Classification: Uncertain significance. Last evaluated: 2020-07-10. Review status: criteria provided, single submitter. Criteria: GeneDx Variant Classification Process June 2021. Collection method: clinical testing. Allele origin: germline. Affected: yes.
Comment: Not observed in large population cohorts (Lek et al., 2016); In silico analysis supports that this missense variant has a deleterious effect on protein structure/function; Has not been previously published as pathogenic or benign to our knowledge

NM_001130438.3(SPTAN1):c.3416A>T (p.Asp1139Val)

Gene: SPTAN1 (spectrin alpha, non-erythrocytic 1; plus strand). Cytogenetic location: 9q34.11.
Variant type: single nucleotide variant.
Coding change: c.3416A>T on transcript NM_001130438.3 (MANE Select); coding-DNA position 3416, A replaced by T.
Protein change: p.Asp1139Val; replaces aspartic acid 1139 with valine.
Molecular consequence: missense variant.
Genome position (GRCh38, 1-based): chr9:128,598,401, A>T. VCF-style: chr9-128598401-A-T. GRCh37 (hg19) VCF-style: chr9-131360680-A-T.
Other names: c.3356A>T, p.Asp1119Val (NM_001195532.2, NM_001363765.2, NM_001375314.2); c.3416A>T, p.Asp1139Val (NM_001363759.2, NM_001375310.1, NM_001375311.2 and 2 more transcripts); c.3452A>T, p.Asp1151Val (NM_001375312.2, NM_001375318.1); short protein forms D1119V, D1139V, D1151V.
Identifiers: ClinVar variation 1313084 (VCV001313084.2), dbSNP rs2131437230, ClinGen allele CA375062218.
Genomic context (GRCh38, chr9:128,598,401, plus strand): 5'-TCTCCTTTGACTTTGGCTTGCTATTTTGGGTTTTAGTTATTATGGCTTTTGCTTTAAAGG[A>T]CCTGAAGGCCAATGAGTCACGGTTGAAGGACATTAACAAGGTAGCTGAAGACCTGGAGTC-3'
Protein context (NP_001123910.1, residues 1129-1149): LQKKFDDFQK[Asp1139Val]LKANESRLKD